The following is an entry in ClinVar:

ClinVar aggregate classification (germline): Uncertain significance (1 of 4 stars; one submission).

Conditions:
Autoimmune interstitial lung disease-arthritis syndrome. Also called: Autoinflammation and autoimmunity, systemic, with immune dysregulation. Identifiers: Orphanet 444092, MedGen C5975714, MONDO:0014629.

Allele frequency attached by ClinVar (database versions not stated): gnomAD 0.00001; ExAC 0.00002.
gnomAD v4.1: 9 of 1,613,902 alleles (0.00056%); highest among the groups gnomAD compares: African/African-American, 0.0027%; no homozygotes.

Submission:

Labcorp Genetics (formerly Invitae), Labcorp
Classification: Uncertain significance for Autoimmune interstitial lung disease-arthritis syndrome. Last evaluated: 2023-09-27. Review status: criteria provided, single submitter. Criteria: Invitae Variant Classification Sherloc (09022015). Collection method: clinical testing. Allele origin: germline.
Comment: In summary, the available evidence is currently insufficient to determine the role of this variant in disease. Therefore, it has been classified as a Variant of Uncertain Significance. Advanced modeling of protein sequence and biophysical properties (such as structural, functional, and spatial information, amino acid conservation, physicochemical variation, residue mobility, and thermodynamic stability) performed at Invitae indicates that this missense variant is expected to disrupt COPA protein function. This variant has not been reported in the literature in individuals affected with COPA-related conditions. This variant is present in population databases (rs762273358, gnomAD 0.003%). This sequence change replaces tyrosine, which is neutral and polar, with cysteine, which is neutral and slightly polar, at codon 569 of the COPA protein (p.Tyr569Cys).

NM_004371.4(COPA):c.1706A>G (p.Tyr569Cys)

Gene: COPA (coat protein complex I subunit alpha; minus strand). Cytogenetic location: 1q23.2.
Variant type: single nucleotide variant.
Coding change: c.1706A>G on transcript NM_004371.4 (MANE Select); coding-DNA position 1706, A replaced by G.
Protein change: p.Tyr569Cys; replaces tyrosine 569 with cysteine.
Molecular consequence: missense variant.
Genome position (GRCh38, 1-based): chr1:160,299,226, T>C on the plus strand (A>G on the coding strand, the complement: COPA is on the minus strand). VCF-style: chr1-160299226-T-C. GRCh37 (hg19) VCF-style: chr1-160269016-T-C.
Other names: c.1733A>G, p.Tyr578Cys (NM_001098398.2); short protein forms Y569C, Y578C.
Identifiers: ClinVar variation 2909906 (VCV002909906.3), dbSNP rs762273358, ClinGen allele CA1198030.